The following is an entry in ClinVar:

ClinVar aggregate classification (germline): Likely benign. Review status: criteria provided, single submitter (1 of 4 stars). 2 submissions from 2 submitters: Likely benign (1). 1 of the submissions does not count toward it. Last evaluated 2022-09-11.

Conditions:
RAD54L-related disorder. Also called: RAD54L-related condition.

Allele frequency attached by ClinVar (database versions not stated): gnomAD exomes 0.00021; ExAC 0.00099; gnomAD 0.00188; 1000 Genomes Project 0.00200; 1000 Genomes Project 30x 0.00203; TOPMed 0.00220; ESP Exome Variant Server 0.00223.
gnomAD v4.1: 590 of 1,606,312 alleles (0.037%); highest among the groups gnomAD compares: African/African-American, 0.69%; no homozygotes.

Submissions (2):

Ambry Genetics
Classification: Likely benign. Last evaluated: 2022-09-11. Review status: criteria provided, single submitter. Criteria: Ambry Variant Classification Scheme 2023. Collection method: clinical testing. Allele origin: germline.

PreventionGenetics, part of Exact Sciences
Classification: Benign for RAD54L-related condition. Last evaluated: 2019-05-20. Review status: no assertion criteria provided. Collection method: clinical testing. Allele origin: germline. Not counted in ClinVar's aggregate classification.
Comment: This variant is classified as benign based on ACMG/AMP sequence variant interpretation guidelines (Richards et al. 2015 PMID: 25741868, with internal and published modifications).

NM_003579.4(RAD54L):c.1601G>A (p.Arg534His)

Gene: RAD54L (RAD54 like; plus strand). Cytogenetic location: 1p34.1.
Variant type: single nucleotide variant.
Coding change: c.1601G>A on transcript NM_003579.4 (MANE Select); coding-DNA position 1601, G replaced by A.
Protein change: p.Arg534His; replaces arginine 534 with histidine.
Molecular consequence: missense variant.
Genome position (GRCh38, 1-based): chr1:46,273,738, G>A. VCF-style: chr1-46273738-G-A. GRCh37 (hg19) VCF-style: chr1-46739410-G-A.
Other names: c.1601G>A, p.Arg534His (NM_001142548.2); c.1061G>A, p.Arg354His (NM_001370766.1); short protein forms R354H, R534H.
Identifiers: ClinVar variation 1776191 (VCV001776191.4), dbSNP rs144207599, ClinGen allele CA834650.